The following is an entry in ClinVar:

NM_000179.3(MSH6):c.2825_2827del (p.Ala942del)

Gene: MSH6 (mutS homolog 6; plus strand). Cytogenetic location: 2p16.3.
Variant type: Deletion.
Coding change: c.2825_2827del on transcript NM_000179.3 (MANE Select); coding-DNA positions 2825 to 2827, 3 bases deleted (CTG; older notation c.2825_2827delCTG).
Protein change: p.Ala942del; deletes alanine 942.
Molecular consequence: inframe deletion.
Genome position (GRCh38, 1-based): chr2:47,800,808-47,800,810, CTG deleted; deleting any 3 consecutive bases within chr2:47,800,806-47,800,810 gives the same sequence; the c. name uses the placement nearest the transcript's 3' end. VCF-style (leftmost placement, unchanged base first): chr2-47800805-TTGC-T. GRCh37 (hg19) VCF-style: chr2-48027944-TTGC-T.
Other names: c.2435_2437del, p.Ala812del (NM_001281492.2); c.1919_1921del, p.Ala640del (NM_001281493.2, NM_001281494.2); short protein forms A812del, A640del.
Identifiers: ClinVar variation 1796493 (VCV001796493.3), dbSNP rs587779249, ClinGen allele CA010956.

ClinVar aggregate classification (germline): Uncertain significance. Review status: criteria provided, multiple submitters, no conflicts (2 of 4 stars). 2 submissions from 2 submitters: Uncertain significance (2). Last evaluated 2025-05-21.

Conditions:
Hereditary nonpolyposis colorectal neoplasms. Identifiers: MedGen C0009405, MeSH D003123.
Hereditary cancer-predisposing syndrome. Also called: Tumor predisposition; Hereditary Cancer Syndrome; Neoplastic Syndromes, Hereditary; Hereditary neoplastic syndrome. Identifiers: Orphanet 140162, MedGen C0027672, MeSH D009386, MONDO:0015356.

Submissions (2):

Labcorp Genetics (formerly Invitae), Labcorp
Classification: Uncertain significance for Hereditary nonpolyposis colorectal neoplasms. Last evaluated: 2025-05-21. Review status: criteria provided, single submitter. Criteria: Invitae Variant Classification Sherloc (09022015). Collection method: clinical testing. Allele origin: germline.
Comment: This variant, c.2825_2827del, results in the deletion of 1 amino acid(s) of the MSH6 protein (p.Ala942del), but otherwise preserves the integrity of the reading frame. This variant is not present in population databases (gnomAD no frequency). This variant has been observed in individual(s) with colorectal cancer (PMID: 16813607). This variant is also known as c.2823–2825delTGC. ClinVar contains an entry for this variant (Variation ID: 1796493). In summary, the available evidence is currently insufficient to determine the role of this variant in disease. Therefore, it has been classified as a Variant of Uncertain Significance.

Ambry Genetics
Classification: Uncertain significance for Hereditary cancer-predisposing syndrome. Last evaluated: 2022-08-10. Review status: criteria provided, single submitter. Criteria: Ambry Variant Classification Scheme 2023. Collection method: clinical testing. Allele origin: germline.
Comment: The c.2825_2827delCTG variant (also known as p.A942del) is located in coding exon 4 of the MSH6 gene. This variant results from an in-frame CTG deletion at nucleotide positions 2825 to 2827. This results in the in-frame deletion of an alanine at codon 942. This amino acid position is not well conserved in available vertebrate species. Since supporting evidence is limited at this time, the clinical significance of this alteration remains unclear.

Literature cited by the submitters: PubMed 16813607 (cited by Labcorp Genetics (formerly Invitae), Labcorp).